The following is an entry in ClinVar:

NM_001171.6(ABCC6):c.1160G>C (p.Gly387Ala)

Gene: ABCC6 (ATP binding cassette subfamily C member 6; minus strand). Cytogenetic location: 16p13.11.
Variant type: single nucleotide variant.
Coding change: c.1160G>C on transcript NM_001171.6 (MANE Select); coding-DNA position 1160, G replaced by C.
Protein change: p.Gly387Ala; replaces glycine 387 with alanine.
Molecular consequence: missense variant. On other transcripts: non-coding transcript variant (4).
Genome position (GRCh38, 1-based): chr16:16,202,017, C>G on the plus strand (G>C on the coding strand, the complement: ABCC6 is on the minus strand). VCF-style: chr16-16202017-C-G. GRCh37 (hg19) VCF-style: chr16-16295874-C-G.
Other names: c.818G>C, p.Gly273Ala (NM_001351800.1); c.1160G>C, p.Gly387Ala (NM_001440309.1, NM_001440310.1); short protein forms G273A, G387A.
Identifiers: ClinVar variation 5039840 (VCV005039840.1).

ClinVar aggregate classification (germline): Uncertain significance (1 of 4 stars; one submission).

gnomAD v4.1: 162 of 1,613,910 alleles (0.01%); highest among the groups gnomAD compares: Admixed American, 0.27%; 1 homozygote.

Submission:

CeGaT Center for Human Genetics Tuebingen
Classification: Uncertain significance. Last evaluated: 2026-08-01. Review status: criteria provided, single submitter. Criteria: CeGaT Center For Human Genetics Tuebingen Variant Classification Criteria Version 2. Collection method: clinical testing. Allele origin: germline. Affected: yes. Observed: 1 variant allele.
Comment: ABCC6: PM5:Supporting